The following is an entry in ClinVar:

NM_001144967.3(NEDD4L):c.2365G>A (p.Asp789Asn)

Gene: NEDD4L (NEDD4 like E3 ubiquitin protein ligase; plus strand). Cytogenetic location: 18q21.31.
Variant type: single nucleotide variant.
Coding change: c.2365G>A on transcript NM_001144967.3 (MANE Select); coding-DNA position 2365, G replaced by A.
Protein change: p.Asp789Asn; replaces aspartic acid 789 with asparagine.
Molecular consequence: missense variant.
Genome position (GRCh38, 1-based): chr18:58,383,258, G>A. VCF-style: chr18-58383258-G-A. GRCh37 (hg19) VCF-style: chr18-56050490-G-A.
Other names: c.2002G>A, p.Asp668Asn (NM_001144964.1, NM_001144965.2, NM_001144966.3); c.2341G>A, p.Asp781Asn (NM_001144968.2); c.2281G>A, p.Asp761Asn (NM_001144969.2); c.1942G>A, p.Asp648Asn (NM_001144970.3, NM_001144971.2); c.2173G>A, p.Asp725Asn (NM_001243960.2); c.2305G>A, p.Asp769Asn (NM_015277.6); short protein forms D668N, D789N, D725N, D769N, D648N, D761N, D781N.
Identifiers: ClinVar variation 4055825 (VCV004055825.1).

ClinVar aggregate classification (germline): Uncertain significance (1 of 4 stars; one submission).

Submission:

GeneDx
Classification: Uncertain significance. Last evaluated: 2025-01-06. Review status: criteria provided, single submitter. Criteria: GeneDx Variant Classification Process June 2021. Collection method: clinical testing. Allele origin: germline. Affected: yes.
Comment: Not observed at significant frequency in large population cohorts (gnomAD); In silico analysis supports that this missense variant has a deleterious effect on protein structure/function; Has not been previously published as pathogenic or benign to our knowledge